The following is an entry in ClinVar:

NM_001360.3(DHCR7):c.627-118G>A

Gene: DHCR7 (7-dehydrocholesterol reductase; minus strand). Cytogenetic location: 11q13.4.
Variant type: single nucleotide variant.
Coding change: c.627-118G>A on transcript NM_001360.3 (MANE Select); 118 bases into the intron before coding-DNA position 627, G replaced by A.
Molecular consequence: intron variant.
Genome position (GRCh38, 1-based): chr11:71,439,201, C>T on the plus strand (G>A on the coding strand, the complement: DHCR7 is on the minus strand). VCF-style: chr11-71439201-C-T. GRCh37 (hg19) VCF-style: chr11-71150247-C-T.
Other names: c.627-118G>A (NM_001163817.2).
Identifiers: ClinVar variation 673954 (VCV000673954.2), dbSNP rs1792264, ClinGen allele CA13387449.

ClinVar aggregate classification (germline): Benign. Review status: criteria provided, multiple submitters, no conflicts (2 of 4 stars). 2 submissions from 2 submitters: Benign (2). Last evaluated 2018-06-16.

Allele frequency attached by ClinVar (database versions not stated): gnomAD exomes 0.24179; TOPMed 0.26925; gnomAD 0.27692 and 0.28193; 1000 Genomes Project 30x 0.34400; 1000 Genomes Project 0.35363.
gnomAD v4.1: 244,188 of 982,110 alleles (25%); highest among the groups gnomAD compares: South Asian, 47%; 35,571 homozygotes.

Submissions (2):

GeneDx
Classification: Benign. Last evaluated: 2018-06-16. Review status: criteria provided, single submitter. Criteria: GeneDx Variant Classification (06012015). Collection method: clinical testing. Allele origin: germline. Affected: yes.
Comment: This variant is considered likely benign or benign based on one or more of the following criteria: it is a conservative change, it occurs at a poorly conserved position in the protein, it is predicted to be benign by multiple in silico algorithms, and/or has population frequency not consistent with disease.

Breakthrough Genomics
Classification: Benign. Review status: criteria provided, single submitter. Criteria: ACMG Guidelines, 2015. Collection method: not provided. Allele origin: germline. Inheritance: Autosomal recessive inheritance. Affected: yes.